The following is an entry in ClinVar:

ClinVar aggregate classification (germline): Pathogenic/Likely pathogenic. Review status: criteria provided, multiple submitters, no conflicts (2 of 4 stars). 5 submissions from 5 submitters: Pathogenic (3); Likely pathogenic (1). 1 of the submissions does not count toward it. Last evaluated 2025-12-17.

Conditions:
Propionic acidemia (PROP). Also called: GLYCINEMIA, KETOTIC; HYPERGLYCINEMIA WITH KETOACIDOSIS AND LEUKOPENIA; KETOTIC HYPERGLYCINEMIA. Identifiers: Orphanet 35, MedGen C0268579, MONDO:0011628, OMIM 606054, HP:0003571.

Allele frequency attached by ClinVar (database versions not stated): ExAC 0.00001; gnomAD 0.00001; TOPMed 0.00001; gnomAD exomes 0.00002.
gnomAD v4.1: 7 of 1,611,278 alleles (0.00043%); highest among the groups gnomAD compares: African/African-American, 0.0027%; no homozygotes.

Submissions (5):

Natera, Inc.
Classification: Pathogenic for Propionic acidemia. Last evaluated: 2025-12-17. Review status: criteria provided, single submitter. Criteria: Natera Variant Classification Schema (03/2026). Collection method: clinical testing. Allele origin: germline.
Comment: The c.733G>A variant in PCCB is a missense variant predicted to cause substitution of glycine to serine at amino acid 245. This variant is rare in the general population with a frequency below the threshold expected for the associated phenotype(s). This variant has been observed in one or more individuals affected with the associated recessive disease, as either homozygous or compound heterozygous with a second variant (PMID: 38863445, 33028371, 35331292). Computational prediction algorithms indicate this variant is likely to affect gene or protein function. Given the available evidence, this variant is classified as Pathogenic.

Fulgent Genetics
Classification: Pathogenic for Propionic acidemia. Last evaluated: 2024-03-14. Review status: criteria provided, single submitter. Criteria: ACMG Guidelines, 2015. Collection method: clinical testing. Allele origin: germline.

Baylor Genetics
Classification: Likely pathogenic for Propionic acidemia. Last evaluated: 2023-12-29. Review status: criteria provided, single submitter. Criteria: ACMG Guidelines, 2015. Collection method: clinical testing. Allele origin: unknown.

Labcorp Genetics (formerly Invitae), Labcorp
Classification: Pathogenic for Propionic acidemia. Last evaluated: 2023-11-18. Review status: criteria provided, single submitter. Criteria: Invitae Variant Classification Sherloc (09022015). Collection method: clinical testing. Allele origin: germline.
Comment: This sequence change replaces glycine, which is neutral and non-polar, with serine, which is neutral and polar, at codon 245 of the PCCB protein (p.Gly245Ser). This variant is present in population databases (rs756414710, gnomAD 0.01%). This missense change has been observed in individual(s) with proprionic acidemia (PMID: 33028371; Invitae). In at least one individual the data is consistent with being in trans (on the opposite chromosome) from a pathogenic variant. ClinVar contains an entry for this variant (Variation ID: 638037). Advanced modeling of protein sequence and biophysical properties (such as structural, functional, and spatial information, amino acid conservation, physicochemical variation, residue mobility, and thermodynamic stability) performed at Invitae indicates that this missense variant is expected to disrupt PCCB protein function with a positive predictive value of 80%. This variant disrupts the p.Gly245 amino acid residue in PCCB. Other variant(s) that disrupt this residue have been determined to be pathogenic (Invitae). This suggests that this residue is clinically significant, and that variants that disrupt this residue are likely to be disease-causing. For these reasons, this variant has been classified as Pathogenic.

Laboratory of Metabolic Disorders, Peking University First Hospital
Classification: Likely pathogenic for Propionic acidemia. Last evaluated: 2019-05-08. Review status: no assertion criteria provided. Collection method: clinical testing. Allele origin: inherited. Affected: yes. Not counted in ClinVar's aggregate classification.

Literature cited by the submitters: PubMed 38863445 (cited by Natera, Inc.); PubMed 33028371 (cited by Natera, Inc. and Labcorp Genetics (formerly Invitae), Labcorp); PubMed 35331292 (cited by Natera, Inc.).

NM_000532.5(PCCB):c.733G>A (p.Gly245Ser)

Gene: PCCB (propionyl-CoA carboxylase subunit beta; plus strand). Cytogenetic location: 3q22.3.
Variant type: single nucleotide variant.
Coding change: c.733G>A on transcript NM_000532.5 (MANE Select); coding-DNA position 733, G replaced by A.
Protein change: p.Gly245Ser; replaces glycine 245 with serine.
Molecular consequence: missense variant.
Genome position (GRCh38, 1-based): chr3:136,293,834, G>A. VCF-style: chr3-136293834-G-A. GRCh37 (hg19) VCF-style: chr3-136012676-G-A.
Other names: c.793G>A, p.Gly265Ser (NM_001178014.2); c.733G>A (NM_000532.4); short protein forms G245S, G265S.
Identifiers: ClinVar variation 638037 (VCV000638037.15), dbSNP rs756414710, ClinGen allele CA2631842.